The following is an entry in ClinVar:

NM_016263.4(FZR1):c.946G>C (p.Val316Leu)

Gene: FZR1 (fizzy and cell division cycle 20 related 1; plus strand). Cytogenetic location: 19p13.3.
Variant type: single nucleotide variant.
Coding change: c.946G>C on transcript NM_016263.4 (MANE Select); coding-DNA position 946, G replaced by C.
Protein change: p.Val316Leu; replaces valine 316 with leucine.
Molecular consequence: missense variant.
Genome position (GRCh38, 1-based): chr19:3,532,033, G>C. VCF-style: chr19-3532033-G-C. GRCh37 (hg19) VCF-style: chr19-3532031-G-C.
Other names: c.679G>C, p.Val227Leu (NM_001136197.1); c.946G>C, p.Val316Leu (NM_001136198.1); short protein forms V227L, V316L.
Identifiers: ClinVar variation 3097716 (VCV003097716.1), dbSNP rs2512293384, ClinGen allele CA403323897.

ClinVar aggregate classification (germline): Likely pathogenic (1 of 4 stars; one submission).

Conditions:
Inborn genetic diseases. Identifiers: MedGen C0950123, MeSH D030342.

Submission:

Ambry Genetics
Classification: Likely pathogenic for Inborn genetic diseases. Last evaluated: 2023-09-29. Review status: criteria provided, single submitter. Criteria: Ambry Variant Classification Scheme 2023. Collection method: clinical testing. Allele origin: germline.
Comment: The c.946G>C (p.V316L) alteration is located in exon 9 (coding exon 9) of the FZR1 gene. This alteration results from a G to C substitution at nucleotide position 946, causing the valine (V) at amino acid position 316 to be replaced by a leucine (L). This variant was not reported in population-based cohorts in the Genome Aggregation Database (gnomAD). This amino acid position is highly conserved in available vertebrate species. This missense alteration is located in a region that has a low rate of benign missense variation (Lek, 2016; Firth, 2009). The in silico prediction for this alteration is inconclusive. Based on the available evidence, this alteration is classified as likely pathogenic.